The following is an entry in ClinVar:

NM_004787.4(SLIT2):c.1044C>T (p.Arg348=)

Gene: SLIT2 (slit guidance ligand 2; plus strand). Cytogenetic location: 4p15.31.
Variant type: single nucleotide variant.
Coding change: c.1044C>T on transcript NM_004787.4 (MANE Select); coding-DNA position 1044, C replaced by T.
Protein change: p.Arg348=; no amino-acid change (arginine 348 retained).
Molecular consequence: synonymous variant.
Genome position (GRCh38, 1-based): chr4:20,511,123, C>T. VCF-style: chr4-20511123-C-T. GRCh37 (hg19) VCF-style: chr4-20512746-C-T.
Other names: p.Arg348=; c.1056C>T, p.Arg352= (NM_001289135.3); c.1044C>T, p.Arg348= (NM_001289136.3).
Identifiers: ClinVar variation 775950 (VCV000775950.13), dbSNP rs73108675, ClinGen allele CA2871317.

ClinVar aggregate classification (germline): Benign. Review status: criteria provided, multiple submitters, no conflicts (2 of 4 stars). 4 submissions from 4 submitters: Benign (3). 1 of the submissions does not count toward it. Last evaluated 2026-02-01.

Conditions:
SLIT2-related disorder. Also called: SLIT2-related condition.

Allele frequency attached by ClinVar (database versions not stated): gnomAD exomes 0.00202 and 0.00520; ExAC 0.00618; 1000 Genomes Project 0.01937; gnomAD 0.02017 and 0.02187; 1000 Genomes Project 30x 0.02092; TOPMed 0.02314; ESP Exome Variant Server 0.02422.
gnomAD v4.1: 6,141 of 1,597,794 alleles (0.38%); highest among the groups gnomAD compares: African/African-American, 6.9%; 187 homozygotes.

Submissions (4):

Labcorp Genetics (formerly Invitae), Labcorp
Classification: Benign. Last evaluated: 2026-02-01. Review status: criteria provided, single submitter. Criteria: Invitae Variant Classification Sherloc (09022015). Collection method: clinical testing. Allele origin: germline.

Mayo Clinic Laboratories, Mayo Clinic
Classification: Benign. Last evaluated: 2023-04-11. Review status: criteria provided, single submitter. Criteria: ACMG Guidelines, 2015. Collection method: clinical testing. Allele origin: germline. Observed: 1 variant allele.

Breakthrough Genomics
Classification: Benign. Review status: criteria provided, single submitter. Criteria: ACMG Guidelines, 2015. Collection method: not provided. Allele origin: germline. Inheritance: Unknown mechanism. Affected: yes.

PreventionGenetics, part of Exact Sciences
Classification: Benign for SLIT2-related condition. Last evaluated: 2019-09-19. Review status: no assertion criteria provided. Collection method: clinical testing. Allele origin: germline. Not counted in ClinVar's aggregate classification.
Comment: This variant is classified as benign based on ACMG/AMP sequence variant interpretation guidelines (Richards et al. 2015 PMID: 25741868, with internal and published modifications).